The following is an entry in ClinVar:

ClinVar aggregate classification (germline): Uncertain significance (1 of 4 stars; one submission).

Allele frequency attached by ClinVar (database versions not stated): gnomAD 0.00001; TOPMed 0.00001; gnomAD exomes 0.00002; ExAC 0.00004.
gnomAD v4.1: 28 of 1,550,888 alleles (0.0018%); highest among the groups gnomAD compares: Non-Finnish European, 0.0022%; no homozygotes.

Submission:

Labcorp Genetics (formerly Invitae), Labcorp
Classification: Uncertain significance. Last evaluated: 2024-01-22. Review status: criteria provided, single submitter. Criteria: Invitae Variant Classification Sherloc (09022015). Collection method: clinical testing. Allele origin: germline.
Comment: This sequence change replaces leucine, which is neutral and non-polar, with phenylalanine, which is neutral and non-polar, at codon 2144 of the UNC80 protein (p.Leu2144Phe). This variant is present in population databases (rs771266886, gnomAD 0.002%). This variant has not been reported in the literature in individuals affected with UNC80-related conditions. ClinVar contains an entry for this variant (Variation ID: 1957796). Advanced modeling of protein sequence and biophysical properties (such as structural, functional, and spatial information, amino acid conservation, physicochemical variation, residue mobility, and thermodynamic stability) performed at Invitae indicates that this missense variant is not expected to disrupt UNC80 protein function with a negative predictive value of 80%. In summary, the available evidence is currently insufficient to determine the role of this variant in disease. Therefore, it has been classified as a Variant of Uncertain Significance.

NM_001371986.1(UNC80):c.6628C>T (p.Leu2210Phe)

Gene: UNC80 (unc-80 homolog, NALCN channel complex subunit; plus strand). Cytogenetic location: 2q34.
Variant type: single nucleotide variant.
Coding change: c.6628C>T on transcript NM_001371986.1 (MANE Select); coding-DNA position 6628, C replaced by T.
Protein change: p.Leu2210Phe; replaces leucine 2210 with phenylalanine.
Molecular consequence: missense variant.
Genome position (GRCh38, 1-based): chr2:209,939,634, C>T. VCF-style: chr2-209939634-C-T. GRCh37 (hg19) VCF-style: chr2-210804358-C-T.
Other names: c.6430C>T, p.Leu2144Phe (NM_032504.2); c.6415C>T, p.Leu2139Phe (NM_182587.4); short protein forms L2144F, L2139F, L2210F.
Identifiers: ClinVar variation 1957796 (VCV001957796.3), dbSNP rs771266886, ClinGen allele CA2083393.
Genomic context (GRCh38, chr2:209,939,634, plus strand): 5'-CAGGAAGACCTCCTCCGCCTGCCCTCATTCCCTCGTAGTGCTATTGATGCTGAGTTTTCA[C>T]TCTTCAGTGATCCTCAAGGTATCAAACAAAGAAACATTGCCTCTCTGGGGCTTTTTCTAA-3'
Protein context (NP_001358915.1, residues 2200-2220): PRSAIDAEFS[Leu2210Phe]FSDPQAGKEL